The following is an entry in ClinVar:

ClinVar aggregate classification (germline): Likely pathogenic. Review status: criteria provided, multiple submitters, no conflicts (2 of 4 stars). 2 submissions from 2 submitters: Likely pathogenic (2). Last evaluated 2024-01-19.

Conditions:
Fanconi anemia (FA). Also called: Fanconi's anemia. Identifiers: Orphanet 84, MedGen C0015625, MeSH D005199, MONDO:0019391.
Fanconi anemia complementation group I (FANCI). Also called: FANCI-Related Fanconi Anemia. Identifiers: Orphanet 84, MedGen C1836861, MONDO:0012186, OMIM 609053.

Submissions (2):

Labcorp Genetics (formerly Invitae), Labcorp
Classification: Likely pathogenic for Fanconi anemia. Last evaluated: 2024-01-19. Review status: criteria provided, single submitter. Criteria: Invitae Variant Classification Sherloc (09022015). Collection method: clinical testing. Allele origin: germline.
Comment: This sequence change affects an acceptor splice site in intron 25 of the FANCI gene. It is expected to disrupt RNA splicing. Variants that disrupt the donor or acceptor splice site typically lead to a loss of protein function (PMID: 16199547), and loss-of-function variants in FANCI are known to be pathogenic (PMID: 17452773, 17460694). This variant is not present in population databases (gnomAD no frequency). This variant has not been reported in the literature in individuals affected with FANCI-related conditions. Algorithms developed to predict the effect of sequence changes on RNA splicing suggest that this variant may disrupt the consensus splice site. In summary, the currently available evidence indicates that the variant is pathogenic, but additional data are needed to prove that conclusively. Therefore, this variant has been classified as Likely Pathogenic.

Baylor Genetics
Classification: Likely pathogenic for Fanconi anemia complementation group I. Last evaluated: 2022-10-22. Review status: criteria provided, single submitter. Criteria: ACMG Guidelines, 2015. Collection method: clinical testing. Allele origin: unknown.

Literature cited by the submitters: PubMed 16199547 (cited by Labcorp Genetics (formerly Invitae), Labcorp); PubMed 17452773 (cited by Labcorp Genetics (formerly Invitae), Labcorp); PubMed 17460694 (cited by Labcorp Genetics (formerly Invitae), Labcorp).

NM_001113378.2(FANCI):c.2804-2A>T

Gene: FANCI (FA complementation group I; plus strand). Cytogenetic location: 15q26.1.
Variant type: single nucleotide variant.
Coding change: c.2804-2A>T on transcript NM_001113378.2 (MANE Select); the canonical splice acceptor site of the intron before coding-DNA position 2804, A replaced by T.
Molecular consequence: splice acceptor variant.
Genome position (GRCh38, 1-based): chr15:89,300,298, A>T. VCF-style: chr15-89300298-A-T. GRCh37 (hg19) VCF-style: chr15-89843529-A-T.
Other names: c.2624-2A>T (NM_018193.3); c.2804-2A>T (NM_001376911.1); c.2525-2A>T (NM_001376910.1).
Identifiers: ClinVar variation 2675643 (VCV002675643.4), dbSNP rs747291682, ClinGen allele CA393737231.